The following is an entry in ClinVar:

ClinVar aggregate classification (germline): Pathogenic (1 of 4 stars; one submission).

Conditions:
Glycine encephalopathy 1 (GCE1). Identifiers: MedGen CN376801, MONDO:0958179, OMIM 605899.

Submission:

Myriad Genetics, Inc.
Classification: Pathogenic for Glycine encephalopathy 1. Last evaluated: 2024-07-26. Review status: criteria provided, single submitter. Criteria: Myriad Autosomal Dominant, Autosomal Recessive and X-Linked Classification Criteria (2023). Collection method: clinical testing. Allele origin: unknown.
Comment: NM_000170.2(GLDC):c.827_828delTT(F276Yfs*19) is expected to be pathogenic in the context of glycine encephalopathy, GLDC-related. This variant is predicted to lead to an abnormal or absent protein product due to the creation of a premature termination codon in GLDC, a gene where loss-of-function variants are known to be pathogenic. Please note: this variant was assessed in the context of healthy population screening.

NM_000170.3(GLDC):c.827_828del (p.Phe276fs)

Gene: GLDC (glycine decarboxylase; minus strand). Cytogenetic location: 9p24.1.
Variant type: Deletion.
Coding change: c.827_828del on transcript NM_000170.3 (MANE Select); coding-DNA positions 827 to 828, 2 bases deleted (TT; older notation c.827_828delTT).
Protein change: p.Phe276fs; shifts the reading frame from phenylalanine 276.
Molecular consequence: frameshift variant.
Genome position (GRCh38, 1-based): chr9:6,605,164-6,605,165, AA deleted on the plus strand (TT on the coding strand, the reverse complement: GLDC is on the minus strand); deleting any 2 consecutive bases within chr9:6,605,164-6,605,166 gives the same sequence; the c. name uses the placement nearest the transcript's 3' end. VCF-style (leftmost placement, unchanged base first): chr9-6605163-TAA-T. GRCh37 (hg19) VCF-style: chr9-6605163-TAA-T.
Other names: short protein forms F276fs.
Identifiers: ClinVar variation 5013375 (VCV005013375.1).